The following is an entry in ClinVar:

NM_001040142.2(SCN2A):c.707C>G (p.Thr236Ser)

Gene: SCN2A (sodium voltage-gated channel alpha subunit 2; plus strand). Cytogenetic location: 2q24.3.
Variant type: single nucleotide variant.
Coding change: c.707C>G on transcript NM_001040142.2 (MANE Select); coding-DNA position 707, C replaced by G.
Protein change: p.Thr236Ser; replaces threonine 236 with serine.
Molecular consequence: missense variant.
Genome position (GRCh38, 1-based): chr2:165,310,332, C>G. VCF-style: chr2-165310332-C-G. GRCh37 (hg19) VCF-style: chr2-166166842-C-G.
Other names: c.707C>G, p.Thr236Ser (NM_001040143.2, NM_001371246.1, NM_001371247.1 and 1 more transcripts); short protein forms T236S.
Identifiers: ClinVar variation 1342695 (VCV001342695.5), dbSNP rs2105247122, ClinGen allele CA349017766.

ClinVar aggregate classification (germline): Pathogenic (0 of 4 stars; one submission).

Conditions:
Developmental and epileptic encephalopathy. Identifiers: MedGen C5779964, MONDO:0100620.
West syndrome. Also called: Infantile epileptic spasms syndrome. Identifiers: Orphanet 3451, Orphanet 697160, MedGen C0037769, MONDO:0018097. Disease mechanism: loss of function.

Submissions (2):

Neurology Department, Shenzhen Children's Hospital
Classification: Pathogenic for Early-infantile DEE. Last evaluated: 2022-02-16. Review status: no assertion criteria provided. Collection method: clinical testing. Allele origin: de novo. Affected: yes.

Channelopathy-Associated Epilepsy Research Center
No classification provided (evidence only). Condition: Complex neurodevelopmental disorder. Review status: no classification provided. Collection method: literature only. Allele origin: not applicable. Functional consequence: Normal slope of fast inactivation, Normal voltage dependence of fast inactivation, Normal rate of recovery from fast inactivation, Normal fast inactivation, Severe increase in peak current, Severe hyperpolarizing shift of voltage dependence of activation, Decrease in slope of activation, Overall gain-of-function. Not counted in ClinVar's aggregate classification.
ClinVar note: "not provided" was previously submitted as the classification for the variant. However, the classification appeared to be based only on an observation of functional data so it was converted to no classification on 2025-07-30.

Literature cited by the submitters: PubMed 31995133 (cited by Channelopathy-Associated Epilepsy Research Center).